The following is an entry in ClinVar:

ClinVar aggregate classification (germline): Conflicting classifications of pathogenicity. Review status: criteria provided, conflicting classifications (1 of 4 stars). 3 submissions from 3 submitters: Pathogenic (1); Uncertain significance (1). 1 of the submissions does not count toward it. Last evaluated 2022-05-04.

Conditions:
ZTTK syndrome (ZTTKS). Also called: ZTTK MULTIPLE CONGENITAL ANOMALIES-MENTAL RETARDATION SYNDROME; Zhu-Tokita-Takenouchi-Kim Syndrome. Identifiers: Orphanet 500150, MedGen C4310696, MONDO:0014936, OMIM 617140.

Submissions (3):

Mendelics
Classification: Pathogenic for ZTTK syndrome. Last evaluated: 2022-05-04. Review status: criteria provided, single submitter. Criteria: Mendelics Assertion Criteria 2019. Collection method: clinical testing. Allele origin: germline.

Labcorp Genetics (formerly Invitae), Labcorp
Classification: Uncertain significance. Last evaluated: 2021-11-03. Review status: criteria provided, single submitter. Criteria: Invitae Variant Classification Sherloc (09022015). Collection method: clinical testing. Allele origin: germline.
Comment: In summary, the available evidence is currently insufficient to determine the role of this variant in disease. Therefore, it has been classified as a Variant of Uncertain Significance. Experimental studies and prediction algorithms are not available or were not evaluated, and the functional significance of this variant is currently unknown. This variant, c.4151_4174del, results in the deletion of 8 amino acid(s) of the SON protein (p.Leu1384_Val1391del), but otherwise preserves the integrity of the reading frame. The frequency data for this variant in the population databases is considered unreliable, as metrics indicate poor data quality at this position in the gnomAD database. This variant has been observed in individual(s) with clinical features of Zhu-Tokita-Takenouchi-Kim syndrome (PMID: 27545680). ClinVar contains an entry for this variant (Variation ID: 617866).

University of Washington Center for Mendelian Genomics, University of Washington
Classification: Likely pathogenic for ZTTK syndrome. Last evaluated: 2016-09-01. Review status: no assertion criteria provided. Collection method: research. Allele origin: unknown. Affected: yes. Observed: 1 heterozygote. Not counted in ClinVar's aggregate classification.

Literature cited by the submitters: PubMed 27545680 (cited by Labcorp Genetics (formerly Invitae), Labcorp and University of Washington Center for Mendelian Genomics, University of Washington).

NM_138927.4(SON):c.4151_4174del (p.Leu1384_Val1391del)

Gene: SON (SON DNA and RNA binding protein; plus strand). Cytogenetic location: 21q22.11.
Variant type: Deletion.
Coding change: c.4151_4174del on transcript NM_138927.4 (MANE Select); coding-DNA positions 4151 to 4174, 24 bases deleted (TGGAGCCTTCGGTTGTGACTGTCC).
Protein change: p.Leu1384_Val1391del.
Molecular consequence: inframe deletion. On other transcripts: non-coding transcript variant (1), intron variant (1).
Genome position (GRCh38, 1-based): chr21:33,553,382-33,553,405, TGGAGCCTTCGGTTGTGACTGTCC deleted; deleting any 24 consecutive bases within chr21:33,553,375-33,553,405 gives the same sequence; the c. name uses the placement nearest the transcript's 3' end. VCF-style (leftmost placement, unchanged base first): chr21-33553374-AACTGTCCTGGAGCCTTCGGTTGTG-A. GRCh37 (hg19) VCF-style: chr21-34925680-AACTGTCCTGGAGCCTTCGGTTGTG-A.
Other names: c.4151_4174del, p.Leu1384_Val1391del (NM_001291411.2, NM_032195.3); c.245-3774_245-3751del (NM_001291412.3).
Identifiers: ClinVar variation 617866 (VCV000617866.8), dbSNP rs769691894, ClinGen allele CA10009464.
Genomic context (GRCh38, chr21:33,553,374, plus strand): 5'-GTCTTCGGCTGTGACCGTCCTGGAGTCTTCGACTGTGACTGTCCTGGAGTCTTCGACTGT[AACTGTCCTGGAGCCTTCGGTTGTG>A]ACTGTCCCGGAGCCTCCTGTTGTGGCTGAGCCAGACTATGTTACCATTCCTGTGCCAGTT-3'